The following is an entry in ClinVar:

ClinVar aggregate classification (germline): Likely pathogenic. Review status: reviewed by expert panel (3 of 4 stars). 7 submissions from 6 submitters: Likely pathogenic (1). 6 of the submissions do not count toward it. Last evaluated 2023-03-13.

Conditions:
MT-TK-related disorder.
Mitochondrial disease. Also called: Mitochondrial disorder; Mitochondrial disorders. Identifiers: Orphanet 68380, MedGen C0751651, MeSH D028361, MONDO:0044970.
MERRF syndrome (MERRF). Also called: Myoclonus with epilepsy with ragged red fibers; Myoencephalopathy ragged-red fiber disease; MYOCLONIC EPILEPSY ASSOCIATED WITH RAGGED-RED FIBERS. Identifiers: Orphanet 551, MedGen C0162672, MONDO:0010790, OMIM 545000.
MELAS syndrome (MELAS). Also called: Juvenile myopathy, encephalopathy, lactic acidosis, stroke. Identifiers: Orphanet 550, MedGen C0162671, MONDO:0010789, OMIM 540000.
Cardiomyopathy and Deafness. Identifiers: MedGen C4016620.
Leigh syndrome (NULS). Also called: Leigh's necrotizing encephalopathy; Leigh's disease; Leigh's syndrome; LEIGH SYNDROME, NUCLEAR; Leigh Disease; Leigh Syndrome (mtDNA deletion). Identifiers: Orphanet 506, MedGen C2931891, MONDO:0009723, OMIM 256000.

Submissions (7):

ClinGen Mitochondrial Disease Nuclear and Mitochondrial  Variant Curation Expert Panel, ClinGen
Classification: Likely pathogenic for Mitochondrial disease. Last evaluated: 2023-03-13. Review status: reviewed by expert panel. Criteria: McCormick et al. (Hum Mutat. 2020). Collection method: curation. Allele origin: germline. Inheritance: Mitochondrial inheritance.
Comment: The m.8363G>A variant in MT-TK has been reported in at least 30 individuals with primary mitochondrial disease from 12 kindreds. Features seen in affected individuals include Leigh syndrome and myoclonic epilepsy with ragged red fibers (MERRF), as well as myopathy, peripheral neuropathy, ataxia, cardiomyopathy, sensorineural hearing loss, ophthalmoplegia, and lipomas. Heteroplasmy levels of this variant in affected individuals is variable, ranging from 40-97% (PS4_moderate; PMIDs: 8651277, 9052804, 10868777, 11108511, 19278689, 18319067, 19370763, 10102446, 16326995, 9932960). This variant segregated with disease in multiple affected family members in multiple families and several healthy family members had lower to undetectable levels (PP1_moderate; PMIDs: 9052804, 10868777, 10102446, 9932960). There are no confirmed de novo occurrences of this variant to our knowledge. The computational predictor MitoTIP suggests this variant impacts the function of this tRNA with a score of 94.3 percentile, as does HmtVar with a score of 0.75 (PP3). This variant is absent in the GenBank dataset, Helix dataset, and gnomAD v3.1.2 (PM2_supporting). Single fiber testing and cybrid analysis further support the functional impact of this variant (PS3_suporting). Single fiber testing showed the variant was significantly higher in COX-negative ragged red fibers (n = 5; 97.3% ± 2.5) than in normal fibers (n = 5; 89.2 ± 8.3; p < 0.05; PMID: 9932960). Cybrid studies showed that clones with the variant present at homoplasmy had statistically significant decreases in Complex I, ATP synthase, and oxygen consumption (PMIDs: 15554876, 25909222). In summary, this variant meets criteria to be classified as likely pathogenic for primary mitochondrial disease inherited in a mitochondrial manner. This classification was approved by the NICHD/NINDS U24 ClinGen Mitochondrial Disease Variant Curation Expert Panel on March 13, 2023. Mitochondrial DNA-specific ACMG/AMP criteria applied (PMID: 32906214): PS4_moderate, PP3, PP1_moderate, PS3_supporting, PM2_supporting.

Variantyx, Inc.
Classification: Pathogenic for MT-TK-related disorders. Last evaluated: 2025-03-18. Review status: criteria provided, single submitter. Criteria: Variantyx Assertion Criteria 2022. Collection method: clinical testing. Allele origin: maternal. Not counted in ClinVar's aggregate classification.
Comment: The m.8363G>A change is a variant in the MT-TK gene which encodes the mitochondrial transfer RNA for lysine. Pathogenic variants in this gene have been associated with primary mitochondrial disorders. This variant has been reported in at least 5 unrelated affected individual(s) (PMID: 18319067, 19278689, 35821181, 8651277, 9932960, 11108511, 9052804) (PS4_Moderate). This variant segregated with disease in many affected members across multiple families; unaffected family members may have lower to undetectable levels of the variant (PMID: 8651277, 19278689 , 10868777 , 19233651 , 9932960, 11108511, 9052804) (PP1_Strong). Functional studies support a deleterious effect for this variant (PMID: 9932960, 8651277 , 25909222 , 15554876, 11108511, 9052804) (PS3_Moderate). Computational algorithms support a deleterious effect on the gene or gene product (Aggregate Predicted Severity Score: 1) (PP3). This variant is absent from control populations (PM2). Other reputable laboratories have reported this variant as pathogenic or likely pathogenic, and this classification has been validated by an expert panel in ClinVar (PP5). Based on the current evidence, this variant is classified as pathogenic for primary mitochondrial disorders.

Mendelics
Classification: Pathogenic for MELAS syndrome. Last evaluated: 2022-05-04. Review status: criteria provided, single submitter. Criteria: Mendelics Assertion Criteria 2019. Collection method: clinical testing. Allele origin: germline. Not counted in ClinVar's aggregate classification.

Wong Mito Lab, Molecular and Human Genetics, Baylor College of Medicine
Classification: Pathogenic for MELAS syndrome. Last evaluated: 2019-07-12. Review status: criteria provided, single submitter. Criteria: Modified ACMG Guidelines (Unpublished). Collection method: clinical testing. Allele origin: germline. Not counted in ClinVar's aggregate classification.
Comment: The NC_012920.1:m.8363G>A variant in MT-TK gene is interpreted to be a Pathogenic variant based on the modified ACMG guidelines (unpublished). This variant meets the following evidence codes reported in the guidelines: PS3, PS5, PM7

OMIM
Classification: Pathogenic for CARDIOMYOPATHY AND DEAFNESS. Last evaluated: 1996-05-01. Review status: no assertion criteria provided. Collection method: literature only. Allele origin: germline. Not counted in ClinVar's aggregate classification.

GeneReviews
No classification provided. Condition: Leigh syndrome. Review status: no classification provided. Collection method: literature only. Allele origin: germline. Not counted in ClinVar's aggregate classification.

GeneReviews
No classification provided. Condition: MERRF syndrome. Review status: no classification provided. Collection method: literature only. Allele origin: maternal. Not counted in ClinVar's aggregate classification.
Comment: Pathogenic variants identified in approximately 10% of persons w/MERRF

Literature cited by the submitters: PubMed 31965079 (cited by Wong Mito Lab, Molecular and Human Genetics, Baylor College of Medicine); PubMed 8651277 (cited by Wong Mito Lab, Molecular and Human Genetics, Baylor College of Medicine and OMIM); NCBI Bookshelf NBK1173 (cited by GeneReviews); NCBI Bookshelf NBK1520 (cited by GeneReviews); PubMed 20301693 (cited by GeneReviews).

NC_012920.1(MT-TK):m.8363G>A

Gene: MT-TK (mitochondrially encoded tRNA lysine; plus strand).
Variant type: single nucleotide variant.
Genome position: chrM-8363-G-A.
Other names: G8363A; 8363G-A.
Identifiers: ClinVar variation 9581 (VCV000009581.13), dbSNP rs118192100, ClinGen allele CA120555.